The following is an entry in ClinVar:

NM_001166271.3(SPATA13):c.1439C>T (p.Pro480Leu)

Gene: SPATA13 (spermatogenesis associated 13; plus strand). Cytogenetic location: 13q12.12.
Variant type: single nucleotide variant.
Coding change: c.1439C>T on transcript NM_001166271.3 (MANE Select); coding-DNA position 1439, C replaced by T.
Protein change: p.Pro480Leu; replaces proline 480 with leucine.
Molecular consequence: missense variant. On other transcripts: intron variant (1).
Genome position (GRCh38, 1-based): chr13:24,224,368, C>T. VCF-style: chr13-24224368-C-T. GRCh37 (hg19) VCF-style: chr13-24798506-C-T.
Other names: c.1625C>T, p.Pro542Leu (NM_001286792.2); c.-222-25109C>T (NM_153023.4); short protein forms P480L, P542L.
Identifiers: ClinVar variation 3057203 (VCV003057203.2), dbSNP rs41314440, ClinGen allele CA6913916.

ClinVar aggregate classification (germline): Benign (0 of 4 stars; one submission).

Conditions:
SPATA13-related disorder. Also called: SPATA13-related condition.

Allele frequency attached by ClinVar (database versions not stated): 1000 Genomes Project 0.00938; 1000 Genomes Project 30x 0.00968; ExAC 0.01676; TOPMed 0.01736; ESP Exome Variant Server 0.02278; gnomAD 0.02299.
gnomAD v4.1: 42,442 of 1,551,706 alleles (2.7%); highest among the groups gnomAD compares: Non-Finnish European, 3.2%; 698 homozygotes.

Submission:

PreventionGenetics, part of Exact Sciences
Classification: Benign for SPATA13-related condition. Last evaluated: 2019-09-12. Review status: no assertion criteria provided. Collection method: clinical testing. Allele origin: germline.
Comment: This variant is classified as benign based on ACMG/AMP sequence variant interpretation guidelines (Richards et al. 2015 PMID: 25741868, with internal and published modifications).